The following is an entry in ClinVar:

ClinVar aggregate classification (germline): Benign (0 of 4 stars; one submission).

Conditions:
TNS1-related disorder. Also called: TNS1-related condition.

Allele frequency attached by ClinVar (database versions not stated): 1000 Genomes Project 30x 0.33260; 1000 Genomes Project 0.33287; ESP Exome Variant Server 0.34244; gnomAD 0.35882; TOPMed 0.35948; gnomAD exomes 0.39945; ExAC 0.41400.

Submission:

PreventionGenetics, part of Exact Sciences
Classification: Benign for TNS1-related condition. Last evaluated: 2019-10-17. Review status: no assertion criteria provided. Collection method: clinical testing. Allele origin: germline.
Comment: This variant is classified as benign based on ACMG/AMP sequence variant interpretation guidelines (Richards et al. 2015 PMID: 25741868, with internal and published modifications).

NM_001387777.1(TNS1):c.4284T>C (p.Gly1428=)

Gene: TNS1 (tensin 1; minus strand). Cytogenetic location: 2q35.
Variant type: single nucleotide variant.
Coding change: c.4284T>C on transcript NM_001387777.1 (MANE Select); coding-DNA position 4284, T replaced by C.
Protein change: p.Gly1428=; no amino-acid change (glycine 1428 retained).
Molecular consequence: synonymous variant.
Genome position (GRCh38, 1-based): chr2:217,818,048, A>G on the plus strand (T>C on the coding strand, the complement: TNS1 is on the minus strand). VCF-style: chr2-217818048-A-G. GRCh37 (hg19) VCF-style: chr2-218682771-A-G.
Other names: c.3933T>C, p.Gly1311= (NM_001308022.2); c.3909T>C, p.Gly1303= (NM_001308023.2); c.3972T>C, p.Gly1324= (NM_022648.7).
Identifiers: ClinVar variation 3059250 (VCV003059250.2), dbSNP rs3796026, ClinGen allele CA2099668.
Genomic context (GRCh38, chr2:217,818,048, plus strand): 5'-GCCAGAGGCACTGCTCTGCCGGGACAGTGTGGGTCTCCGATCCTCCGGGGTAGAATAGCC[A>G]CCATAGGCCACATGCCGGTCCAAGCAGGGGCTGCCGGGAACCACAGATCCAGACCCTCCG-3'
Protein context (NP_001374706.1, residues 1418-1438): SPCLDRHVAY[Gly1428=]GYSTPEDRRP